The following is an entry in ClinVar:

ClinVar aggregate classification (germline): Pathogenic (1 of 4 stars; one submission).

Conditions:
Hereditary breast ovarian cancer syndrome. Also called: Hereditary breast and ovarian cancer syndrome; Hereditary breast and ovarian cancer syndrome (HBOC); Breast and ovarian cancer; BRCA1- and BRCA2-Associated Hereditary Breast and Ovarian Cancer; Hereditary breast and/or ovarian cancer syndrome; Hereditary breast and ovarian cancer. Identifiers: Orphanet 145, MedGen C0677776, MeSH D061325, MONDO:0003582. Disease mechanism: loss of function.

Submission:

Labcorp Genetics (formerly Invitae), Labcorp
Classification: Pathogenic for Hereditary breast ovarian cancer syndrome. Last evaluated: 2025-07-27. Review status: criteria provided, single submitter. Criteria: Invitae Variant Classification Sherloc (09022015). Collection method: clinical testing. Allele origin: germline.
Comment: This sequence change creates a premature translational stop signal (p.Glu456Alafs*4) in the BRCA2 gene. It is expected to result in an absent or disrupted protein product. Loss-of-function variants in BRCA2 are known to be pathogenic (PMID: 20104584). This variant is not present in population databases (gnomAD no frequency). This variant has not been reported in the literature in individuals affected with BRCA2-related conditions. For these reasons, this variant has been classified as Pathogenic.

Literature cited by the submitters: PubMed 20104584.

NM_000059.4(BRCA2):c.1367_1371del (p.Glu456fs)

Gene: BRCA2 (BRCA2 DNA repair associated; plus strand). Cytogenetic location: 13q13.1.
Variant type: Deletion.
Coding change: c.1367_1371del on transcript NM_000059.4 (MANE Select); coding-DNA positions 1367 to 1371, 5 bases deleted (AGAAG; older notation c.1367_1371delAGAAG).
Protein change: p.Glu456fs; shifts the reading frame from glutamic acid 456.
Molecular consequence: frameshift variant. On other transcripts: non-coding transcript variant (1), intron variant (1).
Genome position (GRCh38, 1-based): chr13:32,332,845-32,332,849, AGAAG deleted; deleting any 5 consecutive bases within chr13:32,332,843-32,332,849 gives the same sequence; the c. name uses the placement nearest the transcript's 3' end. VCF-style (leftmost placement, unchanged base first): chr13-32332842-CAGAGA-C. GRCh37 (hg19) VCF-style: chr13-32906979-CAGAGA-C.
Other names: c.1367_1371del, p.Glu456fs (NM_001406719.1, NM_001406720.1, NM_001406721.1 and 1 more transcripts); c.424+1815_424+1819del (NM_001406722.1); short protein forms E456fs.
Identifiers: ClinVar variation 4724026 (VCV004724026.1).